The following is an entry in ClinVar:

NM_004360.5(CDH1):c.549C>T (p.Asp183=)

Gene: CDH1 (cadherin 1; plus strand). Cytogenetic location: 16q22.1.
Variant type: single nucleotide variant.
Coding change: c.549C>T on transcript NM_004360.5 (MANE Select); coding-DNA position 549, C replaced by T.
Protein change: p.Asp183=; no amino-acid change (aspartic acid 183 retained).
Molecular consequence: synonymous variant. On other transcripts: 5 prime UTR variant (2).
Genome position (GRCh38, 1-based): chr16:68,808,710, C>T. VCF-style: chr16-68808710-C-T. GRCh37 (hg19) VCF-style: chr16-68842613-C-T.
Other names: c.549C>T, p.Asp183= (NM_001317184.2); c.-1067C>T (NM_001317185.2); c.-1271C>T (NM_001317186.2).
Identifiers: ClinVar variation 631051 (VCV000631051.14), dbSNP rs1567504746, ClinGen allele CA496392352.
Genomic context (GRCh38, chr16:68,808,710, plus strand): 5'-GGATCCTTCTTTACTAATTCTTTTTCTTTCATTTTGTCTTCAGATCAAATCCAACAAAGA[C>T]AAAGAAGGCAAGGTTTTCTACAGCATCACTGGCCAAGGAGCTGACACACCCCCTGTTGGT-3'
Protein context (NP_004351.1, residues 173-193): KNLVQIKSNK[Asp183=]KEGKVFYSIT

ClinVar aggregate classification (germline): Benign/Likely benign. Review status: criteria provided, multiple submitters, no conflicts (2 of 4 stars). 4 submissions from 4 submitters: Benign (1); Likely benign (3). Last evaluated 2025-09-19.

Conditions:
Hereditary cancer-predisposing syndrome. Also called: Hereditary Cancer Syndrome; Neoplastic Syndromes, Hereditary; Tumor predisposition; Hereditary neoplastic syndrome. Identifiers: Orphanet 140162, MedGen C0027672, MeSH D009386, MONDO:0015356.
Hereditary diffuse gastric adenocarcinoma (HDGC). Also called: DIFFUSE GASTRIC AND LOBULAR BREAST CANCER SYNDROME. Identifiers: Orphanet 26106, MedGen C1708349, MONDO:0007648, OMIM 137215.

Submissions (4):

Ambry Genetics
Classification: Likely benign for Hereditary cancer-predisposing syndrome. Last evaluated: 2025-09-19. Review status: criteria provided, single submitter. Criteria: Ambry Variant Classification Scheme 2023. Collection method: clinical testing. Allele origin: germline.

Myriad Genetics, Inc.
Classification: Benign for Hereditary diffuse gastric adenocarcinoma. Last evaluated: 2024-09-13. Review status: criteria provided, single submitter. Criteria: Myriad Autosomal Dominant, Autosomal Recessive and X-Linked Classification Criteria (2023). Collection method: clinical testing. Allele origin: unknown.
Comment: This variant is considered benign. This variant is a silent/synonymous amino acid change and it is not expected to impact splicing.

Labcorp Genetics (formerly Invitae), Labcorp
Classification: Likely benign for Hereditary diffuse gastric adenocarcinoma. Last evaluated: 2023-03-17. Review status: criteria provided, single submitter. Criteria: Invitae Variant Classification Sherloc (09022015). Collection method: clinical testing. Allele origin: germline.

Color Diagnostics, LLC DBA Color Health
Classification: Likely benign for Hereditary cancer-predisposing syndrome. Last evaluated: 2017-12-15. Review status: criteria provided, single submitter. Criteria: ACMG Guidelines, 2015. Collection method: clinical testing. Allele origin: germline.